The following is an entry in ClinVar:

ClinVar aggregate classification (germline): Uncertain significance (1 of 4 stars; one submission).

Conditions:
Norman-Roberts syndrome (LIS2). Also called: Lissencephaly 2 (Norman-Roberts type). Identifiers: Orphanet 89844, MedGen C0796089, MONDO:0009760, OMIM 257320.
Familial temporal lobe epilepsy 7. Identifiers: Orphanet 101046, MedGen C4225327, MONDO:0014639, OMIM 616436.

Allele frequency attached by ClinVar (database versions not stated): TOPMed below 0.00001.

Submission:

Labcorp Genetics (formerly Invitae), Labcorp
Classification: Uncertain significance for Familial temporal lobe epilepsy 7; Norman-Roberts syndrome. Last evaluated: 2019-11-11. Review status: criteria provided, single submitter. Criteria: Invitae Variant Classification Sherloc (09022015). Collection method: clinical testing. Allele origin: germline.
Comment: This sequence change replaces arginine with threonine at codon 3002 of the RELN protein (p.Arg3002Thr). The arginine residue is highly conserved and there is a moderate physicochemical difference between arginine and threonine. This variant is not present in population databases (ExAC no frequency). In summary, the available evidence is currently insufficient to determine the role of this variant in disease. Therefore, it has been classified as a Variant of Uncertain Significance. Algorithms developed to predict the effect of missense changes on protein structure and function are either unavailable or do not agree on the potential impact of this missense change (SIFT: "Deleterious"; PolyPhen-2: "Benign"; Align-GVGD: "Class C0"). This variant has not been reported in the literature in individuals with RELN-related conditions.

NM_005045.4(RELN):c.9005G>C (p.Arg3002Thr)

Genes: RELN (reelin; minus strand), SLC26A5-AS1 (SLC26A5 antisense RNA 1; plus strand). Cytogenetic location: 7q22.1.
Variant type: single nucleotide variant.
Coding change: c.9005G>C on transcript NM_005045.4 (MANE Select); coding-DNA position 9005, G replaced by C.
Protein change: p.Arg3002Thr; replaces arginine 3002 with threonine.
Molecular consequence: missense variant.
Genome position (GRCh38, 1-based): chr7:103,496,714, C>G on the plus strand (G>C on the coding strand, the complement: RELN is on the minus strand). VCF-style: chr7-103496714-C-G. GRCh37 (hg19) VCF-style: chr7-103137161-C-G.
Other names: c.9005G>C, p.Arg3002Thr (NM_173054.3); short protein forms R3002T.
Identifiers: ClinVar variation 971404 (VCV000971404.9), dbSNP rs758922383, ClinGen allele CA368751692.